The following is an entry in ClinVar:

NM_020778.5(ALPK3):c.423-1G>A

Gene: ALPK3 (alpha kinase 3; plus strand). Cytogenetic location: 15q25.3.
Variant type: single nucleotide variant.
Coding change: c.423-1G>A on transcript NM_020778.5 (MANE Select); the canonical splice acceptor site of the intron before coding-DNA position 423, G replaced by A.
Molecular consequence: splice acceptor variant.
Genome position (GRCh38, 1-based): chr15:84,839,701, G>A. VCF-style: chr15-84839701-G-A. GRCh37 (hg19) VCF-style: chr15-85382932-G-A.
Identifiers: ClinVar variation 3722174 (VCV003722174.2).

ClinVar aggregate classification (germline): Likely pathogenic (1 of 4 stars; one submission).

Submission:

Labcorp Genetics (formerly Invitae), Labcorp
Classification: Likely pathogenic. Last evaluated: 2024-11-05. Review status: criteria provided, single submitter. Criteria: Invitae Variant Classification Sherloc (09022015). Collection method: clinical testing. Allele origin: germline.
Comment: This sequence change affects an acceptor splice site in intron 4 of the ALPK3 gene. It is expected to disrupt RNA splicing. Variants that disrupt the donor or acceptor splice site typically lead to a loss of protein function (PMID: 16199547), and loss-of-function variants in ALPK3 are known to be pathogenic (PMID: 21441111, 26846950, 27106955, 34263907). This variant is not present in population databases (gnomAD no frequency). This variant has not been reported in the literature in individuals affected with ALPK3-related conditions. Algorithms developed to predict the effect of sequence changes on RNA splicing suggest that this variant may disrupt the consensus splice site. In summary, the currently available evidence indicates that the variant is pathogenic, but additional data are needed to prove that conclusively. Therefore, this variant has been classified as Likely Pathogenic.

Literature cited by the submitters: PubMed 16199547; PubMed 21441111; PubMed 26846950; PubMed 27106955; PubMed 34263907.